The following is an entry in ClinVar:

ClinVar aggregate classification (germline): Benign. Review status: criteria provided, multiple submitters, no conflicts (2 of 4 stars). 9 submissions from 9 submitters: Benign (8). 1 of the submissions does not count toward it. Last evaluated 2026-02-04.

Conditions:
Congenital myasthenic syndrome (CMS). Also called: Congenital Myasthenic Syndromes. Identifiers: Orphanet 590, MedGen C0751882, MeSH D020294, MONDO:0018940.
Congenital myasthenic syndrome 4A. Also called: Myasthenic syndrome, congenital, 4a, slow-channel; CONGENITAL MYASTHENIC SYNDROME TYPE Ia1; MYASTHENIC SYNDROME, CONGENITAL, 4A, SLOW-CHANNEL, AUTOSOMAL RECESSIVE. Identifiers: Orphanet 590, MedGen C4225413, MONDO:0011600, OMIM 605809.

Allele frequency attached by ClinVar (database versions not stated): TOPMed 0.01118; ESP Exome Variant Server 0.01208; 1000 Genomes Project 30x 0.01234; 1000 Genomes Project 0.01378; ExAC 0.02998.

Submissions (9):

Labcorp Genetics (formerly Invitae), Labcorp
Classification: Benign for Congenital myasthenic syndrome 4A. Last evaluated: 2026-02-04. Review status: criteria provided, single submitter. Criteria: Invitae Variant Classification Sherloc (09022015). Collection method: clinical testing. Allele origin: germline.

Women's Health and Genetics/Laboratory Corporation of America, LabCorp
Classification: Benign. Last evaluated: 2024-11-29. Review status: criteria provided, single submitter. Criteria: LabCorp Variant Classification Summary - May 2015. Collection method: clinical testing. Allele origin: germline.

Mayo Clinic Laboratories, Mayo Clinic
Classification: Benign. Last evaluated: 2023-05-23. Review status: criteria provided, single submitter. Criteria: ACMG Guidelines, 2015. Collection method: clinical testing. Allele origin: germline. Observed: 12 variant alleles.
Comment: BA1, BP4, BP7

Athena Diagnostics
Classification: Benign. Last evaluated: 2020-11-06. Review status: criteria provided, single submitter. Criteria: Athena Diagnostics criteria. Collection method: clinical testing. Allele origin: unknown.

Illumina Laboratory Services, Illumina
Classification: Benign for Congenital myasthenic syndrome. Last evaluated: 2018-01-13. Review status: criteria provided, single submitter. Criteria: ICSL Variant Classification Criteria 13 December 2019. Collection method: clinical testing. Allele origin: germline.
Comment: This variant was observed in the ICSL laboratory as part of a predisposition screen in an ostensibly healthy population. It had not been previously curated by ICSL or reported in the Human Gene Mutation Database (HGMD: prior to June 1st, 2018), and was therefore a candidate for classification through an automated scoring system. Utilizing variant allele frequency, disease prevalence and penetrance estimates, and inheritance mode, an automated score was calculated to assess if this variant is too frequent to cause the disease. Based on the score and internal cut-off values, a variant classified as benign is not then subjected to further curation. The score for this variant resulted in a classification of benign for this disease.

GeneDx
Classification: Benign. Last evaluated: 2017-08-01. Review status: criteria provided, single submitter. Criteria: GeneDx Variant Classification (06012015). Collection method: clinical testing. Allele origin: germline. Affected: yes.
Comment: This variant is considered likely benign or benign based on one or more of the following criteria: it is a conservative change, it occurs at a poorly conserved position in the protein, it is predicted to be benign by multiple in silico algorithms, and/or has population frequency not consistent with disease.

Breakthrough Genomics
Classification: Benign. Review status: criteria provided, single submitter. Criteria: ACMG Guidelines, 2015. Collection method: not provided. Allele origin: germline. Inheritance: Autosomal recessive inheritance. Affected: yes.

PreventionGenetics, part of Exact Sciences
Classification: Benign. Review status: criteria provided, single submitter. Criteria: ACMG Guidelines, 2015. Collection method: clinical testing. Allele origin: germline.

Natera, Inc.
Classification: Benign for Congenital myasthenic syndrome. Last evaluated: 2020-09-16. Review status: no assertion criteria provided. Collection method: clinical testing. Allele origin: germline. Not counted in ClinVar's aggregate classification.

NM_000080.4(CHRNE):c.966C>T (p.Cys322=)

Gene: CHRNE (cholinergic receptor nicotinic epsilon subunit; minus strand). Cytogenetic location: 17p13.2.
Variant type: single nucleotide variant.
Coding change: c.966C>T on transcript NM_000080.4 (MANE Select); coding-DNA position 966, C replaced by T.
Protein change: p.Cys322=; no amino-acid change (cysteine 322 retained).
Molecular consequence: synonymous variant.
Genome position (GRCh38, 1-based): chr17:4,899,534, G>A on the plus strand (C>T on the coding strand, the complement: CHRNE is on the minus strand). VCF-style: chr17-4899534-G-A. GRCh37 (hg19) VCF-style: chr17-4802829-G-A.
Other names: p.Cys322=; c.966C>T, p.Cys322= (LRG_1254t1).
Identifiers: ClinVar variation 254904 (VCV000254904.21), dbSNP rs56377005, ClinGen allele CA8314091.
Genomic context (GRCh38, chr17:4,899,534, plus strand): 5'-CAGCCGCGGGGACATGGCGTGGGTGGTGGGCGTCCGCTGGGACACGTTGAGCACGATGAC[G>A]CAATTCATGACAATGAGCGTGGCGACCACCATGACGAAAATAAGGAACCTGAGGAGCCCG-3'
Protein context (NP_000071.1, residues 312-332): MVVATLIVMN[Cys322=]VIVLNVSQRT